The following is an entry in ClinVar:

NM_014712.3(SETD1A):c.2761G>A (p.Asp921Asn)

Gene: SETD1A (SET domain containing 1A, histone lysine methyltransferase; plus strand). Cytogenetic location: 16p11.2.
Variant type: single nucleotide variant.
Coding change: c.2761G>A on transcript NM_014712.3 (MANE Select); coding-DNA position 2761, G replaced by A.
Protein change: p.Asp921Asn; replaces aspartic acid 921 with asparagine.
Molecular consequence: missense variant.
Genome position (GRCh38, 1-based): chr16:30,967,579, G>A. VCF-style: chr16-30967579-G-A. GRCh37 (hg19) VCF-style: chr16-30978900-G-A.
Other names: p.Asp921Asn; short protein forms D921N.
Identifiers: ClinVar variation 1334443 (VCV001334443.4), dbSNP rs2143514019, ClinGen allele CA395621025.
Genomic context (GRCh38, chr16:30,967,579, plus strand): 5'-TCGGAAATTTCCGAGGCCAGTGAGGAAAAGAGGCCTCGTCCCTCCACTCCTGCTGAGGAA[G>A]ATGAAGACGGTGAGCAGGGTCAGGCATAAGGAGAAGGGGTGTGCTGCGTGGGTTCTGATG-3'
Protein context (NP_055527.1, residues 911-931): RPRPSTPAEE[Asp921Asn]EDDPEQEKEA

ClinVar aggregate classification (germline): Conflicting classifications of pathogenicity. Review status: criteria provided, conflicting classifications (1 of 4 stars). 2 submissions from 2 submitters: Likely pathogenic (1); Uncertain significance (1). Last evaluated 2025-11-28.

Conditions:
Neurodevelopmental disorder with speech impairment and dysmorphic facies. Identifiers: MedGen C5436699, MONDO:0033630, OMIM 619056.

Allele frequency attached by ClinVar (database versions not stated): gnomAD exomes 0.00001.
gnomAD v4.1: 4 of 1,613,886 alleles (0.00025%); highest among the groups gnomAD compares: Non-Finnish European, 0.00034%; no homozygotes.

Submissions (2):

Dasa
Classification: Uncertain significance. Last evaluated: 2025-11-28. Review status: criteria provided, single submitter. Criteria: DASA Assertion Criteria. Collection method: clinical testing. Allele origin: germline.
Comment: NM_014712.3(SETD1A):c.2761G>A (p.Asp921Asn) is a missense variant that results in the substitution of aspartic acid with asparagine. This variant has been reported in individuals with SETD1A-related disorders. Also, this variant is rare in population databases. The currently available literature and clinical evidence are not sufficient to establish a definitive association between this variant and the reported condition. Therefore, this variant is classified as a variant of uncertain significance.

Laboratory of Human Genetics, Universidade de São Paulo
Classification: Likely pathogenic for Neurodevelopmental disorder with speech impairment and dysmorphic facies. Last evaluated: 2019-01-16. Review status: criteria provided, single submitter. Criteria: ACMG Guidelines, 2015. Collection method: research. Allele origin: paternal. Inheritance: Autosomal dominant inheritance. Affected: yes. Observed: 2 variant alleles, 2 heterozygotes.
Comment: ACMG: PM2, PP1, PP2, and PP4